The following is an entry in ClinVar:

NC_000023.10:g.(?_9707505)_(9728886_?)del

Gene: GPR143 (G protein-coupled receptor 143; minus strand). Cytogenetic location: Xp22.2.
Variant type: Deletion.
Identifiers: ClinVar variation 1454817 (VCV001454817.5).

ClinVar aggregate classification (germline): Pathogenic (1 of 4 stars; one submission).

Submission:

Labcorp Genetics (formerly Invitae), Labcorp
Classification: Pathogenic. Last evaluated: 2024-01-26. Review status: criteria provided, single submitter. Criteria: Invitae Variant Classification Sherloc (09022015). Collection method: clinical testing. Allele origin: germline.
Comment: This variant is a gross deletion of the genomic region encompassing exon(s) 2-8 of the GPR143 gene. This variant would be expected to be in-frame, preserving the integrity of the reading frame. A similar copy number variant has been observed in individuals with ocular albinism (PMID: 9457748, 9529334). It has also been observed to segregate with disease in related individuals. For these reasons, this variant has been classified as Pathogenic.

Literature cited by the submitters: PubMed 9457748; PubMed 9529334.